The following is an entry in ClinVar:

NM_138348.6(OTULIN):c.224C>T (p.Ala75Val)

Gene: OTULIN (OTU deubiquitinase with linear linkage specificity; plus strand). Cytogenetic location: 5p15.2.
Variant type: single nucleotide variant.
Coding change: c.224C>T on transcript NM_138348.6 (MANE Select); coding-DNA position 224, C replaced by T.
Protein change: p.Ala75Val; replaces alanine 75 with valine.
Molecular consequence: missense variant.
Genome position (GRCh38, 1-based): chr5:14,673,713, C>T. VCF-style: chr5-14673713-C-T. GRCh37 (hg19) VCF-style: chr5-14673822-C-T.
Other names: short protein forms A75V.
Identifiers: ClinVar variation 1914980 (VCV001914980.5), dbSNP rs2478150448, ClinGen allele CA359242536.

ClinVar aggregate classification (germline): Uncertain significance (1 of 4 stars; one submission).

Allele frequency attached by ClinVar (database versions not stated): gnomAD exomes 0.00001.
gnomAD v4.1: 16 of 1,612,856 alleles (0.00099%); highest among the groups gnomAD compares: Non-Finnish European, 0.0013%; no homozygotes.

Submission:

Labcorp Genetics (formerly Invitae), Labcorp
Classification: Uncertain significance. Last evaluated: 2024-02-12. Review status: criteria provided, single submitter. Criteria: Invitae Variant Classification Sherloc (09022015). Collection method: clinical testing. Allele origin: germline.
Comment: This sequence change replaces alanine, which is neutral and non-polar, with valine, which is neutral and non-polar, at codon 75 of the OTULIN protein (p.Ala75Val). This variant is not present in population databases (gnomAD no frequency). This variant has not been reported in the literature in individuals affected with OTULIN-related conditions. ClinVar contains an entry for this variant (Variation ID: 1914980). Advanced modeling of protein sequence and biophysical properties (such as structural, functional, and spatial information, amino acid conservation, physicochemical variation, residue mobility, and thermodynamic stability) performed at Invitae indicates that this missense variant is not expected to disrupt OTULIN protein function with a negative predictive value of 80%. In summary, the available evidence is currently insufficient to determine the role of this variant in disease. Therefore, it has been classified as a Variant of Uncertain Significance.